The following is an entry in ClinVar:

ClinVar aggregate classification (germline): Likely benign (1 of 4 stars; one submission).

gnomAD v4.1: 4 of 1,612,764 alleles (0.00025%); highest among the groups gnomAD compares: Admixed American, 0.0067%; no homozygotes.

Submission:

CeGaT Center for Human Genetics Tuebingen
Classification: Likely benign. Last evaluated: 2026-09-01. Review status: criteria provided, single submitter. Criteria: CeGaT Center For Human Genetics Tuebingen Variant Classification Criteria Version 2. Collection method: clinical testing. Allele origin: germline. Affected: yes. Observed: 1 variant allele.
Comment: ZNF462: BP4, BP7

NM_021224.6(ZNF462):c.3579C>T (p.Phe1193=)

Gene: ZNF462 (zinc finger protein 462; plus strand). Cytogenetic location: 9q31.2.
Variant type: single nucleotide variant.
Coding change: c.3579C>T on transcript NM_021224.6 (MANE Select); coding-DNA position 3579, C replaced by T.
Protein change: p.Phe1193=; no amino-acid change (phenylalanine 1193 retained).
Molecular consequence: synonymous variant. On other transcripts: intron variant (1).
Genome position (GRCh38, 1-based): chr9:106,927,491, C>T. VCF-style: chr9-106927491-C-T. GRCh37 (hg19) VCF-style: chr9-109689772-C-T.
Other names: c.3252+327C>T (NM_001347997.2).
Identifiers: ClinVar variation 5040883 (VCV005040883.1).
Genomic context (GRCh38, chr9:106,927,491, plus strand): 5'-ACAACAGCTGAACCGAAGCAGCTCTGAGAGAGATGGCCCTCCTGTGGAGAATGAGATGTT[C>T]TTTTGCCAGCACTGTGATTATGGGAACCGGACGGTCAAAGGGGTACTCATTCATTATCAG-3'
Protein context (NP_067047.4, residues 1183-1203): RDGPPVENEM[Phe1193=]FCQHCDYGNR